The following is an entry in ClinVar:

NM_000038.6(APC):c.1912A>C (p.Ile638Leu)

Gene: APC (APC regulator of Wnt signaling pathway; plus strand). Cytogenetic location: 5q22.2.
Variant type: single nucleotide variant.
Coding change: c.1912A>C on transcript NM_000038.6 (MANE Select); coding-DNA position 1912, A replaced by C.
Protein change: p.Ile638Leu; replaces isoleucine 638 with leucine.
Molecular consequence: missense variant.
Genome position (GRCh38, 1-based): chr5:112,835,119, A>C. VCF-style: chr5-112835119-A-C. GRCh37 (hg19) VCF-style: chr5-112170816-A-C.
Other names: c.1912A>C, p.Ile638Leu (NM_001127510.3, NM_001354895.2); c.1858A>C, p.Ile620Leu (NM_001127511.3); c.1966A>C, p.Ile656Leu (NM_001354896.2); c.1942A>C, p.Ile648Leu (NM_001354897.2); c.1837A>C, p.Ile613Leu (NM_001354898.2); c.1828A>C, p.Ile610Leu (NM_001354899.2); c.1789A>C, p.Ile597Leu (NM_001354900.2); c.1735A>C, p.Ile579Leu (NM_001354901.2); and 5 more; short protein forms I620L, I638L, I537L, I613L, I478L, I610L, I648L, I512L.
Identifiers: ClinVar variation 628655 (VCV000628655.11), dbSNP rs75117039, ClinGen allele CA16025497.

ClinVar aggregate classification (germline): Uncertain significance. Review status: criteria provided, multiple submitters, no conflicts (2 of 4 stars). 4 submissions from 4 submitters: Uncertain significance (4). Last evaluated 2025-10-06.

Conditions:
Hereditary cancer-predisposing syndrome. Also called: Neoplastic Syndromes, Hereditary; Tumor predisposition; Hereditary neoplastic syndrome; Hereditary Cancer Syndrome. Identifiers: Orphanet 140162, MedGen C0027672, MeSH D009386, MONDO:0015356.
Familial adenomatous polyposis 1 (FAP1). Also called: POLYPOSIS, ADENOMATOUS INTESTINAL; FAMILIAL ADENOMATOUS POLYPOSIS 1, ATTENUATED. Identifiers: MedGen C2713442, MONDO:0021056, OMIM 175100. Disease mechanism: loss of function.

Submissions (4):

Ambry Genetics
Classification: Uncertain significance for Hereditary cancer-predisposing syndrome. Last evaluated: 2025-10-06. Review status: criteria provided, single submitter. Criteria: Ambry Variant Classification Scheme 2023. Collection method: clinical testing. Allele origin: germline.
Comment: The p.I638L variant (also known as c.1912A>C), located in coding exon 14 of the APC gene, results from an A to C substitution at nucleotide position 1912. The isoleucine at codon 638 is replaced by leucine, an amino acid with highly similar properties. This amino acid position is conserved. In addition, in silico predictors for this gene do not accurately predict pathogenicity. Based on the available evidence, the clinical significance of this variant remains unclear.

Color Diagnostics, LLC DBA Color Health
Classification: Uncertain significance for Hereditary cancer-predisposing syndrome. Last evaluated: 2023-12-04. Review status: criteria provided, single submitter. Criteria: ACMG Guidelines, 2015. Collection method: clinical testing. Allele origin: germline.
Comment: This missense variant replaces isoleucine with leucine at codon 638 of the APC protein. Computational prediction suggests that this variant may not impact protein structure and function (internally defined REVEL score threshold <= 0.5, PMID: 27666373). To our knowledge, functional studies have not been reported for this variant. This variant has not been reported in individuals affected with APC-related disorders in the literature. This variant has not been identified in the general population by the Genome Aggregation Database (gnomAD). The available evidence is insufficient to determine the role of this variant in disease conclusively. Therefore, this variant is classified as a Variant of Uncertain Significance.

GeneDx
Classification: Uncertain significance. Last evaluated: 2023-02-16. Review status: criteria provided, single submitter. Criteria: GeneDx Variant Classification Process June 2021. Collection method: clinical testing. Allele origin: germline. Affected: yes.
Comment: Not observed at significant frequency in large population cohorts (gnomAD); In silico analysis supports that this missense variant does not alter protein structure/function; Has not been previously published as pathogenic or benign to our knowledge; This variant is associated with the following publications: (PMID: 18199528)

Labcorp Genetics (formerly Invitae), Labcorp
Classification: Uncertain significance for Familial adenomatous polyposis 1. Last evaluated: 2022-01-03. Review status: criteria provided, single submitter. Criteria: Invitae Variant Classification Sherloc (09022015). Collection method: clinical testing. Allele origin: germline.
Comment: This sequence change replaces isoleucine, which is neutral and non-polar, with leucine, which is neutral and non-polar, at codon 638 of the APC protein (p.Ile638Leu). This variant is not present in population databases (gnomAD no frequency). This variant has not been reported in the literature in individuals affected with APC-related conditions. ClinVar contains an entry for this variant (Variation ID: 628655). Algorithms developed to predict the effect of missense changes on protein structure and function are either unavailable or do not agree on the potential impact of this missense change (SIFT: "Deleterious"; PolyPhen-2: "Benign"; Align-GVGD: "Class C0"). In summary, the available evidence is currently insufficient to determine the role of this variant in disease. Therefore, it has been classified as a Variant of Uncertain Significance.